The following is an entry in ClinVar:

ClinVar aggregate classification (germline): Conflicting classifications of pathogenicity. Review status: criteria provided, conflicting classifications (1 of 4 stars). 2 submissions from 2 submitters: Uncertain significance (1); Likely benign (1). Last evaluated 2024-12-07.

Conditions:
Inborn genetic diseases. Identifiers: MedGen C0950123, MeSH D030342.

Allele frequency attached by ClinVar (database versions not stated): TOPMed 0.00001 and 0.00002; ExAC 0.00002; gnomAD 0.00002 and 0.00003; gnomAD exomes 0.00002 and 0.00004; ESP Exome Variant Server 0.00008.
gnomAD v4.1: 60 of 1,614,072 alleles (0.0037%); highest among the groups gnomAD compares: Non-Finnish European, 0.0051%; no homozygotes.

Submissions (2):

Ambry Genetics
Classification: Likely benign for Inborn genetic diseases. Last evaluated: 2024-12-07. Review status: criteria provided, single submitter. Criteria: Ambry Variant Classification Scheme 2023. Collection method: clinical testing. Allele origin: germline.

Labcorp Genetics (formerly Invitae), Labcorp
Classification: Uncertain significance. Last evaluated: 2023-03-14. Review status: criteria provided, single submitter. Criteria: Invitae Variant Classification Sherloc (09022015). Collection method: clinical testing. Allele origin: germline.
Comment: This sequence change replaces valine, which is neutral and non-polar, with isoleucine, which is neutral and non-polar, at codon 446 of the ASXL1 protein (p.Val446Ile). This variant is present in population databases (rs376229687, gnomAD 0.005%). This variant has not been reported in the literature in individuals affected with ASXL1-related conditions. ClinVar contains an entry for this variant (Variation ID: 1957511). Algorithms developed to predict the effect of missense changes on protein structure and function output the following: SIFT: "Not Available"; PolyPhen-2: "Benign"; Align-GVGD: "Not Available". The isoleucine amino acid residue is found in multiple mammalian species, which suggests that this missense change does not adversely affect protein function. In summary, the available evidence is currently insufficient to determine the role of this variant in disease. Therefore, it has been classified as a Variant of Uncertain Significance.

NM_015338.6(ASXL1):c.1336G>A (p.Val446Ile)

Gene: ASXL1 (ASXL transcriptional regulator 1; plus strand). Cytogenetic location: 20q11.21.
Variant type: single nucleotide variant.
Coding change: c.1336G>A on transcript NM_015338.6 (MANE Select); coding-DNA position 1336, G replaced by A.
Protein change: p.Val446Ile; replaces valine 446 with isoleucine.
Molecular consequence: missense variant.
Genome position (GRCh38, 1-based): chr20:32,433,534, G>A. VCF-style: chr20-32433534-G-A. GRCh37 (hg19) VCF-style: chr20-31021337-G-A.
Other names: c.1153G>A, p.Val385Ile (NM_001363734.1); short protein forms V446I, V385I.
Identifiers: ClinVar variation 1957511 (VCV001957511.7), dbSNP rs376229687, ClinGen allele CA9808338.